The following is an entry in ClinVar:

NM_001042492.3(NF1):c.1579dup (p.Thr527fs)

Gene: NF1 (neurofibromin 1; plus strand). Cytogenetic location: 17q11.2.
Variant type: Duplication.
Coding change: c.1579dup on transcript NM_001042492.3 (MANE Select); coding-DNA position 1579, one base duplicated (A; older notation c.1579dupA).
Protein change: p.Thr527fs; shifts the reading frame from threonine 527.
Molecular consequence: frameshift variant.
Genome position (GRCh38, 1-based): chr17:31,219,056, A duplicated. VCF-style (leftmost placement, unchanged base first): chr17-31219055-T-TA. GRCh37 (hg19) VCF-style: chr17-29546073-T-TA.
Other names: c.1579dup, p.Thr527Asnfs (NM_000267.4); c.1579dup, p.Thr527fs (NM_001128147.3); short protein forms T527fs.
Identifiers: ClinVar variation 2095838 (VCV002095838.4), dbSNP rs2544840609, ClinGen allele CA2580092878.

ClinVar aggregate classification (germline): Pathogenic (1 of 4 stars; one submission).

Conditions:
Neurofibromatosis, type 1 (NF1). Also called: NEUROFIBROMATOSIS, TYPE I, SOMATIC; Neurofibromatosis, type I; Peripheral type neurofibromatosis; VON RECKLINGHAUSEN DISEASE. Identifiers: Orphanet 636, MedGen C0027831, MONDO:0018975, OMIM 162200. Disease mechanism: loss of function.

Submission:

Labcorp Genetics (formerly Invitae), Labcorp
Classification: Pathogenic for Neurofibromatosis, type 1. Last evaluated: 2022-02-09. Review status: criteria provided, single submitter. Criteria: Invitae Variant Classification Sherloc (09022015). Collection method: clinical testing. Allele origin: germline.
Comment: For these reasons, this variant has been classified as Pathogenic. This variant has not been reported in the literature in individuals affected with NF1-related conditions. This variant is not present in population databases (gnomAD no frequency). This sequence change creates a premature translational stop signal (p.Thr527Asnfs*31) in the NF1 gene. It is expected to result in an absent or disrupted protein product. Loss-of-function variants in NF1 are known to be pathogenic (PMID: 10712197, 23913538).

Literature cited by the submitters: PubMed 10712197; PubMed 23913538.